The following is an entry in ClinVar:

NM_002529.4(NTRK1):c.2272G>A (p.Ala758Thr)

Gene: NTRK1 (neurotrophic receptor tyrosine kinase 1; plus strand). Cytogenetic location: 1q23.1.
Variant type: single nucleotide variant.
Coding change: c.2272G>A on transcript NM_002529.4 (MANE Select); coding-DNA position 2272, G replaced by A.
Protein change: p.Ala758Thr; replaces alanine 758 with threonine.
Molecular consequence: missense variant.
Genome position (GRCh38, 1-based): chr1:156,881,523, G>A. VCF-style: chr1-156881523-G-A. GRCh37 (hg19) VCF-style: chr1-156851315-G-A.
Other names: p.Ala752Thr; c.2164G>A, p.Ala722Thr (NM_001007792.1); c.2254G>A, p.Ala752Thr (NM_001012331.2); short protein forms A722T, A752T, A758T.
Identifiers: ClinVar variation 386229 (VCV000386229.34), dbSNP rs62640939, ClinGen allele CA1169620.

ClinVar aggregate classification (germline): Benign/Likely benign. Review status: criteria provided, multiple submitters, no conflicts (2 of 4 stars). 11 submissions from 11 submitters: Benign (4); Likely benign (6). 1 of the submissions does not count toward it. Last evaluated 2026-01-28.

Conditions:
Hereditary insensitivity to pain with anhidrosis (CIPA). Also called: HSAN Type IV; hereditary sensory and autonomic neuropathy type 4; NTRK1 Congenital Insensitivity to Pain with Anhidrosis; NEUROPATHY, CONGENITAL SENSORY, WITH ANHIDROSIS; INSENSITIVITY TO PAIN, CONGENITAL, WITH ANHIDROSIS; FAMILIAL DYSAUTONOMIA, TYPE II. Identifiers: Orphanet 642, MedGen C0020074, MONDO:0009746, OMIM 256800.

Allele frequency attached by ClinVar (database versions not stated): gnomAD exomes 0.00048 and 0.00119; ExAC 0.00277; 1000 Genomes Project 0.00399; 1000 Genomes Project 30x 0.00406; gnomAD 0.00534 and 0.00591; ESP Exome Variant Server 0.00577; TOPMed 0.00602.
gnomAD v4.1: 1,528 of 1,601,278 alleles (0.095%); highest among the groups gnomAD compares: African/African-American, 1.9%; 12 homozygotes.

Submissions (11):

Labcorp Genetics (formerly Invitae), Labcorp
Classification: Benign for Hereditary insensitivity to pain with anhidrosis. Last evaluated: 2026-01-28. Review status: criteria provided, single submitter. Criteria: Invitae Variant Classification Sherloc (09022015). Collection method: clinical testing. Allele origin: germline.

Blueprint Genetics
Classification: Likely benign. Last evaluated: 2024-11-13. Review status: criteria provided, single submitter. Criteria: ACMG Guidelines, 2015. Collection method: clinical testing. Allele origin: germline.

ARUP Laboratories, Molecular Genetics and Genomics, ARUP Laboratories
Classification: Likely benign for Hereditary insensitivity to pain with anhidrosis. Last evaluated: 2024-03-08. Review status: criteria provided, single submitter. Criteria: ARUP Molecular Germline Variant Investigation Process 2024. Collection method: clinical testing. Allele origin: germline.

KCCC/NGS Laboratory, Kuwait Cancer Control Center
Classification: Likely benign for Hereditary insensitivity to pain with anhidrosis. Last evaluated: 2023-07-07. Review status: criteria provided, single submitter. Criteria: ACMG Guidelines, 2015. Collection method: clinical testing. Allele origin: germline. Affected: yes.

Genome-Nilou Lab
Classification: Likely benign for Hereditary insensitivity to pain with anhidrosis. Last evaluated: 2023-04-11. Review status: criteria provided, single submitter. Criteria: ACMG Guidelines, 2015. Collection method: clinical testing. Allele origin: germline. Affected: no.

Mayo Clinic Laboratories, Mayo Clinic
Classification: Benign. Last evaluated: 2022-06-01. Review status: criteria provided, single submitter. Criteria: ACMG Guidelines, 2015. Collection method: clinical testing. Allele origin: germline. Observed: 5 variant alleles.
Comment: BS1, BS2

GeneDx
Classification: Likely benign. Last evaluated: 2019-09-25. Review status: criteria provided, single submitter. Criteria: GeneDx Variant Classification Process June 2021. Collection method: clinical testing. Allele origin: germline. Affected: yes.
Comment: This variant is associated with the following publications: (PMID: 26215504)

Athena Diagnostics
Classification: Benign. Last evaluated: 2017-10-02. Review status: criteria provided, single submitter. Criteria: Athena Diagnostics Criteria. Collection method: clinical testing. Allele origin: germline.

Illumina Laboratory Services, Illumina
Classification: Benign for Hereditary insensitivity to pain with anhidrosis. Last evaluated: 2017-04-28. Review status: criteria provided, single submitter. Criteria: ICSL Variant Classification Criteria 13 December 2019. Collection method: clinical testing. Allele origin: germline.
Comment: This variant was observed as part of a predisposition screen in an ostensibly healthy population. A literature search was performed for the gene, cDNA change, and amino acid change (where applicable). Publications were found based on this search. The evidence from the literature, in combination with allele frequency data from public databases where available, was sufficient to rule this variant out of causing disease. Therefore, this variant is classified as benign.

Breakthrough Genomics
Classification: Likely benign. Review status: criteria provided, single submitter. Criteria: ACMG Guidelines, 2015. Collection method: not provided. Allele origin: germline. Inheritance: Autosomal recessive inheritance. Affected: yes.

Natera, Inc.
Classification: Benign for Hereditary insensitivity to pain with anhidrosis. Last evaluated: 2019-12-16. Review status: no assertion criteria provided. Collection method: clinical testing. Allele origin: germline. Not counted in ClinVar's aggregate classification.

Literature cited by the submitters: PubMed 26215504 (cited by Illumina Laboratory Services, Illumina).